The following is an entry in ClinVar:

NM_000535.7(PMS2):c.1060G>A (p.Val354Ile)

Gene: PMS2 (PMS1 homolog 2, mismatch repair system component; minus strand). Cytogenetic location: 7p22.1.
Variant type: single nucleotide variant.
Coding change: c.1060G>A on transcript NM_000535.7 (MANE Select); coding-DNA position 1060, G replaced by A.
Protein change: p.Val354Ile; replaces valine 354 with isoleucine.
Molecular consequence: missense variant. On other transcripts: non-coding transcript variant (1), intron variant (2).
Genome position (GRCh38, 1-based): chr7:5,989,884, C>T on the plus strand (G>A on the coding strand, the complement: PMS2 is on the minus strand). VCF-style: chr7-5989884-C-T. GRCh37 (hg19) VCF-style: chr7-6029515-C-T.
Other names: c.655G>A, p.Val219Ile (NM_001322003.2, NM_001322004.2, NM_001322005.2 and 1 more transcripts); c.742G>A, p.Val248Ile (NM_001322007.2, NM_001322008.2); c.127G>A, p.Val43Ile (NM_001322011.2, NM_001322012.2); c.487G>A, p.Val163Ile (NM_001322013.2); c.1060G>A, p.Val354Ile (NM_001322014.2); c.751G>A, p.Val251Ile (NM_001322015.2); c.583+2089G>A (NM_001322010.2); c.988+2089G>A (NM_001322006.2); short protein forms V248I, V219I, V354I, V43I, V163I, V251I.
Identifiers: ClinVar variation 645114 (VCV000645114.12), dbSNP rs750984324, ClinGen allele CA366742892.

ClinVar aggregate classification (germline): Conflicting classifications of pathogenicity. Review status: criteria provided, conflicting classifications (1 of 4 stars). 2 submissions from 2 submitters: Uncertain significance (1); Likely benign (1). Last evaluated 2022-11-18.

Conditions:
Hereditary cancer-predisposing syndrome. Also called: Hereditary Cancer Syndrome; Tumor predisposition; Hereditary neoplastic syndrome; Neoplastic Syndromes, Hereditary. Identifiers: Orphanet 140162, MedGen C0027672, MeSH D009386, MONDO:0015356.
Hereditary nonpolyposis colorectal neoplasms. Identifiers: MedGen C0009405, MeSH D003123.

Submissions (2):

Ambry Genetics
Classification: Likely benign for Hereditary cancer-predisposing syndrome. Last evaluated: 2022-11-18. Review status: criteria provided, single submitter. Criteria: Ambry Variant Classification Scheme 2023. Collection method: clinical testing. Allele origin: germline.

Labcorp Genetics (formerly Invitae), Labcorp
Classification: Uncertain significance for Hereditary nonpolyposis colorectal neoplasms. Last evaluated: 2019-10-21. Review status: criteria provided, single submitter. Criteria: Invitae Variant Classification Sherloc (09022015). Collection method: clinical testing. Allele origin: germline.
Comment: This sequence change replaces valine with isoleucine at codon 354 of the PMS2 protein (p.Val354Ile). The valine residue is weakly conserved and there is a small physicochemical difference between valine and isoleucine. This variant is not present in population databases (ExAC no frequency). This variant has not been reported in the literature in individuals with PMS2-related conditions. ClinVar contains an entry for this variant (Variation ID: 645114). Algorithms developed to predict the effect of missense changes on protein structure and function output the following: SIFT: "Tolerated"; PolyPhen-2: "Benign"; Align-GVGD: "Class C0". The isoleucine amino acid residue is found in multiple mammalian species, suggesting that this missense change does not adversely affect protein function. These predictions have not been confirmed by published functional studies and their clinical significance is uncertain. In summary, the available evidence is currently insufficient to determine the role of this variant in disease. Therefore, it has been classified as a Variant of Uncertain Significance.